The following is an entry in ClinVar:

NM_000465.4(BARD1):c.2323C>T (p.Leu775Phe)

Gene: BARD1 (BRCA1 associated RING domain 1; minus strand). Cytogenetic location: 2q35.
Variant type: single nucleotide variant.
Coding change: c.2323C>T on transcript NM_000465.4 (MANE Select); coding-DNA position 2323, C replaced by T.
Protein change: p.Leu775Phe; replaces leucine 775 with phenylalanine.
Molecular consequence: missense variant. On other transcripts: non-coding transcript variant (3).
Genome position (GRCh38, 1-based): chr2:214,728,687, G>A on the plus strand (C>T on the coding strand, the complement: BARD1 is on the minus strand). VCF-style: chr2-214728687-G-A. GRCh37 (hg19) VCF-style: chr2-215593411-G-A.
Other names: c.2323C>T (NM_000465.2); c.2266C>T, p.Leu756Phe (NM_001282543.2); c.970C>T, p.Leu324Phe (NM_001282545.2); c.913C>T, p.Leu305Phe (NM_001282548.2); c.784C>T, p.Leu262Phe (NM_001282549.2); short protein forms L775F, L305F, L756F, L262F, L324F.
Identifiers: ClinVar variation 530032 (VCV000530032.14), dbSNP rs1553612005, ClinGen allele CA350449663.

ClinVar aggregate classification (germline): Conflicting classifications of pathogenicity. Review status: criteria provided, conflicting classifications (1 of 4 stars). 3 submissions from 3 submitters: Uncertain significance (2); Likely benign (1). Last evaluated 2025-12-30.

Conditions:
Familial cancer of breast. Also called: BREAST CANCER, FAMILIAL; Hereditary breast cancer; hereditary breast carcinoma. Identifiers: Orphanet 227535, MedGen C0346153, MONDO:0016419, OMIM 114480. Disease mechanism: loss of function.
Hereditary cancer-predisposing syndrome. Also called: Hereditary neoplastic syndrome; Neoplastic Syndromes, Hereditary; Hereditary Cancer Syndrome; Tumor predisposition. Identifiers: Orphanet 140162, MedGen C0027672, MeSH D009386, MONDO:0015356.

Allele frequency attached by ClinVar (database versions not stated): gnomAD exomes below 0.00001.
gnomAD v4.1: 2 of 1,614,174 alleles (0.00012%); highest among the groups gnomAD compares: Non-Finnish European, 0.00017%; no homozygotes.

Submissions (3):

Labcorp Genetics (formerly Invitae), Labcorp
Classification: Uncertain significance for Familial cancer of breast. Last evaluated: 2025-12-30. Review status: criteria provided, single submitter. Criteria: Invitae Variant Classification Sherloc (09022015). Collection method: clinical testing. Allele origin: germline.
Comment: This sequence change replaces leucine, which is neutral and non-polar, with phenylalanine, which is neutral and non-polar, at codon 775 of the BARD1 protein (p.Leu775Phe). This variant is not present in population databases (gnomAD no frequency). This variant has not been reported in the literature in individuals affected with BARD1-related conditions. ClinVar contains an entry for this variant (Variation ID: 530032). An algorithm developed to predict the effect of missense changes on protein structure and function (PolyPhen-2) suggests that this variant is likely to be disruptive. In summary, the available evidence is currently insufficient to determine the role of this variant in disease. Therefore, it has been classified as a Variant of Uncertain Significance.

Ambry Genetics
Classification: Likely benign for Hereditary cancer-predisposing syndrome. Last evaluated: 2024-06-25. Review status: criteria provided, single submitter. Criteria: Ambry Variant Classification Scheme 2023. Collection method: clinical testing. Allele origin: germline.

Color Diagnostics, LLC DBA Color Health
Classification: Uncertain significance for Hereditary cancer-predisposing syndrome. Last evaluated: 2019-11-26. Review status: criteria provided, single submitter. Criteria: ACMG Guidelines, 2015. Collection method: clinical testing. Allele origin: germline.
Comment: This missense variant replaces leucine with phenylalanine at codon 775 of the BARD1 protein. Computational prediction suggests that this variant may not impact protein structure and function (internally defined REVEL score threshold <= 0.5, PMID: 27666373). Splice site prediction tools suggest that this variant may not impact RNA splicing. To our knowledge, functional studies have not been performed for this variant. This variant has not been reported in individuals affected with hereditary cancer in the literature. This variant has not been identified in the general population by the Genome Aggregation Database (gnomAD). The available evidence is insufficient to determine the role of this variant in disease conclusively. Therefore, this variant is classified as a Variant of Uncertain Significance.